The following is an entry in ClinVar:

NC_000012.11:g.(?_103246573)_(103271348_?)del

Gene: PAH (phenylalanine hydroxylase; minus strand). Cytogenetic location: 12q23.2.
Variant type: Deletion.
Identifiers: ClinVar variation 1457374 (VCV001457374.7).

ClinVar aggregate classification (germline): Pathogenic (1 of 4 stars; one submission).

Conditions:
Phenylketonuria (PKU). Also called: OLIGOPHRENIA PHENYLPYRUVICA; Phenylketonurias; Phenylketonuria (PKU); FOLLING DISEASE. Identifiers: Orphanet 716, MedGen C0031485, MONDO:0009861, OMIM 261600. Disease mechanism: loss of function.

Submission:

Labcorp Genetics (formerly Invitae), Labcorp
Classification: Pathogenic for Phenylketonuria. Last evaluated: 2021-12-27. Review status: criteria provided, single submitter. Criteria: Invitae Variant Classification Sherloc (09022015). Collection method: clinical testing. Allele origin: germline.
Comment: For these reasons, this variant has been classified as Pathogenic. A similar copy number variant has been observed in individual(s) with phenylketonuria (PMID: 18985011). This variant is a gross deletion of the genomic region encompassing exon(s) 4-7 of the PAH gene. This deletion is out-of-frame, and is expected to create a premature termination codon and result in an absent or disrupted protein product. Loss-of-function variants in PAH are known to be pathogenic (PMID: 1301187, 9634518).

Literature cited by the submitters: PubMed 18985011; PubMed 1301187; PubMed 9634518.